The following is an entry in ClinVar:

NM_001009944.3(PKD1):c.11453dup (p.Tyr3819fs)

Genes: PKD1 (polycystin 1, transient receptor potential channel interacting; minus strand), PKD1-AS1 (PKD1 antisense RNA 1; plus strand). Cytogenetic location: 16p13.3.
Variant type: Duplication.
Coding change: c.11453dup on transcript NM_001009944.3 (MANE Select); coding-DNA position 11453, one base duplicated (G; older notation c.11453dupG).
Protein change: p.Tyr3819fs; shifts the reading frame from tyrosine 3819.
Molecular consequence: frameshift variant.
Genome position (GRCh38, 1-based): chr16:2,091,865, C duplicated on the plus strand (G on the coding strand, the reverse complement: PKD1 is on the minus strand); the first of 5 consecutive C bases (chr16:2,091,865-2,091,869); duplicating any one gives the same sequence. VCF-style (leftmost placement, unchanged base first): chr16-2091864-G-GC. GRCh37 (hg19) VCF-style: chr16-2141865-G-GC.
Other names: c.11450dup, p.Tyr3818fs (NM_000296.4); c.11453dupG (NM_001009944.2); short protein forms Y3819fs, Y3818fs.
Identifiers: ClinVar variation 586247 (VCV000586247.7), dbSNP rs1567153194, ClinGen allele CA891843786.

ClinVar aggregate classification (germline): Pathogenic/Likely pathogenic. Review status: criteria provided, multiple submitters, no conflicts (2 of 4 stars). 5 submissions from 5 submitters: Pathogenic (4); Likely pathogenic (1). Last evaluated 2026-06-16.

Conditions:
Polycystic kidney disease, adult type (PKD1). Also called: Polycystic Kidney, Autosomal Dominant; Polycystic Kidney Disease 1, Autosomal Dominant; Polycystic kidney disease 1; Polycystic kidney disease 1, severe; POLYCYSTIC KIDNEY DISEASE, ADULT, TYPE I; POLYCYSTIC KIDNEY DISEASE 1 WITH OR WITHOUT POLYCYSTIC LIVER DISEASE. Identifiers: MedGen C3149841, MONDO:0008263, OMIM 173900.
PKD1-related disorder. Also called: PKD1-related condition.

Submissions (5):

PreventionGenetics, part of Exact Sciences
Classification: Pathogenic for PKD1-related condition. Last evaluated: 2026-06-16. Review status: criteria provided, single submitter. Criteria: ACMG Guidelines, 2015. Collection method: clinical testing. Allele origin: germline.
Comment: The PKD1 c.11453dupG variant is predicted to result in a frameshift and premature protein termination (p.Tyr3819Leufs*142). This variant was reported in an individual with autosomal dominant polycystic kidney disease (ADPKD) (reported as c.11450dup at Supplementary Table S6 of Kim et al. 2019. PubMed ID: 31740684). This variant has not been reported in a large population database (gnomAD), indicating this variant is rare. Frameshift variants in PKD1 are expected to be pathogenic. This variant is interpreted as pathogenic.

Fulgent Genetics
Classification: Pathogenic for Polycystic kidney disease, adult type. Last evaluated: 2024-06-15. Review status: criteria provided, single submitter. Criteria: ACMG Guidelines, 2015. Collection method: clinical testing. Allele origin: germline.

Blueprint Genetics
Classification: Likely pathogenic for PKD1-related disorders. Last evaluated: 2021-06-30. Review status: criteria provided, single submitter. Criteria: ACMG Guidelines, 2015. Collection method: clinical testing. Allele origin: germline. Affected: yes. Observed: 1 variant allele.

Athena Diagnostics
Classification: Pathogenic. Last evaluated: 2016-03-02. Review status: criteria provided, single submitter. Criteria: Athena Diagnostics Criteria. Collection method: clinical testing. Allele origin: germline.

Juno Genomics, Hangzhou Juno Genomics, Inc
Classification: Pathogenic for Polycystic kidney disease, adult type. Review status: criteria provided, single submitter. Criteria: ACMG Guidelines, 2015. Collection method: clinical testing. Allele origin: germline. Affected: yes.
Comment: Absent from controls (or at extremely low frequency if recessive) in Genome Aggregation Database, Exome Sequencing Project, 1000 Genomes Project, or Exome Aggregation Consortium.;Null variant in a gene where loss of function (LOF) is a known mechanism of disease.;The prevalence of the variant in affected individuals is significantly increased compared to the prevalence in controls.